The following is an entry in ClinVar:

NM_007272.3(CTRC):c.139C>T (p.Leu47Phe)

Gene: CTRC (chymotrypsin C; plus strand). Cytogenetic location: 1p36.21.
Variant type: single nucleotide variant.
Coding change: c.139C>T on transcript NM_007272.3 (MANE Select); coding-DNA position 139, C replaced by T.
Protein change: p.Leu47Phe; replaces leucine 47 with phenylalanine.
Molecular consequence: missense variant.
Genome position (GRCh38, 1-based): chr1:15,440,499, C>T. VCF-style: chr1-15440499-C-T. GRCh37 (hg19) VCF-style: chr1-15766995-C-T.
Other names: short protein forms L47F.
Identifiers: ClinVar variation 567210 (VCV000567210.17), dbSNP rs769324644, ClinGen allele CA613237.

ClinVar aggregate classification (germline): Uncertain significance. Review status: criteria provided, multiple submitters, no conflicts (2 of 4 stars). 4 submissions from 4 submitters: Uncertain significance (4). Last evaluated 2024-08-19.

Conditions:
Hereditary pancreatitis (PCTT). Also called: Hereditary chronic pancreatitis; PRSS1-Related Hereditary Pancreatitis. Identifiers: Orphanet 676, MedGen C0238339, MONDO:0008185, OMIM 167800.

Allele frequency attached by ClinVar (database versions not stated): TOPMed 0.00003; gnomAD 0.00004 and 0.00003; ExAC 0.00003; gnomAD exomes 0.00003 and 0.00002.

Submissions (4):

Ambry Genetics
Classification: Uncertain significance for Hereditary pancreatitis. Last evaluated: 2024-08-19. Review status: criteria provided, single submitter. Criteria: Ambry Variant Classification Scheme 2023. Collection method: clinical testing. Allele origin: germline.
Comment: The p.L47F variant (also known as c.139C>T), located in coding exon 3 of the CTRC gene, results from a C to T substitution at nucleotide position 139. The leucine at codon 47 is replaced by phenylalanine, an amino acid with highly similar properties. This amino acid position is highly conserved in available vertebrate species. In addition, this alteration is predicted to be deleterious by in silico analysis. Since supporting evidence is limited at this time, the clinical significance of this alteration remains unclear.

Labcorp Genetics (formerly Invitae), Labcorp
Classification: Uncertain significance for Hereditary pancreatitis. Last evaluated: 2024-03-20. Review status: criteria provided, single submitter. Criteria: Invitae Variant Classification Sherloc (09022015). Collection method: clinical testing. Allele origin: germline.
Comment: This sequence change replaces leucine, which is neutral and non-polar, with phenylalanine, which is neutral and non-polar, at codon 47 of the CTRC protein (p.Leu47Phe). This variant is present in population databases (rs769324644, gnomAD 0.004%). This variant has not been reported in the literature in individuals affected with CTRC-related conditions. ClinVar contains an entry for this variant (Variation ID: 567210). Advanced modeling of protein sequence and biophysical properties (such as structural, functional, and spatial information, amino acid conservation, physicochemical variation, residue mobility, and thermodynamic stability) has been performed at Invitae for this missense variant, however the output from this modeling did not meet the statistical confidence thresholds required to predict the impact of this variant on CTRC protein function. In summary, the available evidence is currently insufficient to determine the role of this variant in disease. Therefore, it has been classified as a Variant of Uncertain Significance.

Department of Pathology and Laboratory Medicine, Sinai Health System
Classification: Uncertain significance for hereditary chronic pancreatitis. Last evaluated: 2021-07-30. Review status: criteria provided, single submitter. Criteria: ACMG Guidelines, 2015. Collection method: research. Allele origin: germline.

ARUP Laboratories, Molecular Genetics and Genomics, ARUP Laboratories
Classification: Uncertain significance for Hereditary pancreatitis. Last evaluated: 2019-04-26. Review status: criteria provided, single submitter. Criteria: ARUP Molecular Germline Variant Investigation Process. Collection method: clinical testing. Allele origin: germline.
Comment: The CTRC c.139C>T; p.Leu47Phe variant (rs769324644), to our knowledge, is not reported in the medical literature but is reported in ClinVar (Variation ID: 567210). This variant is only observed on six alleles in the Genome Aggregation Database, indicating it is not a common polymorphism. The leucine at codon 47 is highly conserved, and computational analyses (SIFT, PolyPhen-2) predict that this variant is deleterious. Due to limited information, the clinical significance of the p.Leu47Phe variant is uncertain at this time.